The following is an entry in ClinVar:

NM_015629.4(PRPF31):c.945+1G>A

Gene: PRPF31 (pre-mRNA processing factor 31; plus strand). Cytogenetic location: 19q13.42.
Variant type: single nucleotide variant.
Coding change: c.945+1G>A on transcript NM_015629.4 (MANE Select); the canonical splice donor site of the intron after coding-DNA position 945, G replaced by A.
Molecular consequence: splice donor variant.
Genome position (GRCh38, 1-based): chr19:54,126,618, G>A. VCF-style: chr19-54126618-G-A. GRCh37 (hg19) VCF-style: chr19-54629993-G-A.
Identifiers: ClinVar variation 3641281 (VCV003641281.2).

ClinVar aggregate classification (germline): Likely pathogenic (1 of 4 stars; one submission).

Submission:

Labcorp Genetics (formerly Invitae), Labcorp
Classification: Likely pathogenic. Last evaluated: 2024-02-16. Review status: criteria provided, single submitter. Criteria: Invitae Variant Classification Sherloc (09022015). Collection method: clinical testing. Allele origin: germline.
Comment: This sequence change affects a donor splice site in intron 9 of the PRPF31 gene. It is expected to disrupt RNA splicing. Variants that disrupt the donor or acceptor splice site typically lead to a loss of protein function (PMID: 16199547), and loss-of-function variants in PRPF31 are known to be pathogenic (PMID: 18317597, 23950152). This variant is not present in population databases (gnomAD no frequency). This variant has not been reported in the literature in individuals affected with PRPF31-related conditions. Algorithms developed to predict the effect of sequence changes on RNA splicing suggest that this variant may disrupt the consensus splice site. In summary, the currently available evidence indicates that the variant is pathogenic, but additional data are needed to prove that conclusively. Therefore, this variant has been classified as Likely Pathogenic.

Literature cited by the submitters: PubMed 16199547; PubMed 18317597; PubMed 23950152.